The following is an entry in ClinVar:

ClinVar aggregate classification (germline): Conflicting classifications of pathogenicity. Review status: criteria provided, conflicting classifications (1 of 4 stars). 2 submissions from 2 submitters: Uncertain significance (1); Likely benign (1). Last evaluated 2024-10-22.

Conditions:
Inborn genetic diseases. Identifiers: MedGen C0950123, MeSH D030342.

Allele frequency attached by ClinVar (database versions not stated): gnomAD 0.00003; ExAC 0.00004; gnomAD exomes 0.00004; TOPMed 0.00005; ESP Exome Variant Server 0.00015; 1000 Genomes Project 30x 0.00016; 1000 Genomes Project 0.00020.
gnomAD v4.1: 61 of 1,614,146 alleles (0.0038%); highest among the groups gnomAD compares: Admixed American, 0.005%; no homozygotes.

Submissions (2):

Labcorp Genetics (formerly Invitae), Labcorp
Classification: Uncertain significance. Last evaluated: 2024-10-22. Review status: criteria provided, single submitter. Criteria: Invitae Variant Classification Sherloc (09022015). Collection method: clinical testing. Allele origin: germline.
Comment: This sequence change replaces valine, which is neutral and non-polar, with isoleucine, which is neutral and non-polar, at codon 2308 of the FN1 protein (p.Val2308Ile). This variant is present in population databases (rs191304573, gnomAD 0.02%). This variant has not been reported in the literature in individuals affected with FN1-related conditions. ClinVar contains an entry for this variant (Variation ID: 2413719). An algorithm developed to predict the effect of missense changes on protein structure and function outputs the following: PolyPhen-2: "Benign". The isoleucine amino acid residue is found in multiple mammalian species, which suggests that this missense change does not adversely affect protein function. In summary, the available evidence is currently insufficient to determine the role of this variant in disease. Therefore, it has been classified as a Variant of Uncertain Significance.

Ambry Genetics
Classification: Likely benign for Inborn genetic diseases. Last evaluated: 2023-06-06. Review status: criteria provided, single submitter. Criteria: Ambry Variant Classification Scheme 2023. Collection method: clinical testing. Allele origin: germline.

NM_212482.4(FN1):c.6922G>A (p.Val2308Ile)

Genes: ATIC (5-aminoimidazole-4-carboxamide ribonucleotide formyltransferase/IMP cyclohydrolase; plus strand), FN1 (fibronectin 1; minus strand). Cytogenetic location: 2q35.
Variant type: single nucleotide variant.
Coding change: c.6922G>A on transcript NM_212482.4 (MANE Select); coding-DNA position 6922, G replaced by A.
Protein change: p.Val2308Ile; replaces valine 2308 with isoleucine.
Molecular consequence: missense variant.
Genome position (GRCh38, 1-based): chr2:215,367,959, C>T on the plus strand (G>A on the coding strand, the complement: FN1 is on the minus strand). VCF-style: chr2-215367959-C-T. GRCh37 (hg19) VCF-style: chr2-216232682-C-T.
Other names: c.6829G>A, p.Val2277Ile (NM_001306129.2); c.6292G>A, p.Val2098Ile (NM_001306130.2); c.6286G>A, p.Val2096Ile (NM_001306131.2); c.6211G>A, p.Val2071Ile (NM_001306132.2); c.6652G>A, p.Val2218Ile (NM_001365517.2); c.6649G>A, p.Val2217Ile (NM_001365518.2); c.6577G>A, p.Val2193Ile (NM_001365519.2); c.6574G>A, p.Val2192Ile (NM_001365520.2); and 9 more; short protein forms V2007I, V2071I, V2096I, V2097I, V2098I, V2102I, V2127I, V2161I.
Identifiers: ClinVar variation 2413719 (VCV002413719.9), dbSNP rs191304573, ClinGen allele CA2093702.
Genomic context (GRCh38, chr2:215,367,959, plus strand): 5'-CTAAGCACTGGCACAACAGTTTAAAGCCTGATTCAGACATTCGTTCCCACTCATCTCCAA[C>T]GGCATAATGGGAAACTGTGTAGGGGTCAAAGCACGAGTCATCCGTAGGTTGGTTCAAGCC-3'
Protein context (NP_997647.2, residues 2298-2318): FDPYTVSHYA[Val2308Ile]GDEWERMSES